The following is an entry in ClinVar:

ClinVar aggregate classification (germline): Likely benign (0 of 4 stars; one submission).

Conditions:
PLXNA4-related disorder. Also called: PLXNA4-related condition.

Allele frequency attached by ClinVar (database versions not stated): ESP Exome Variant Server 0.00008.
gnomAD v4.1: 287 of 1,614,020 alleles (0.018%); highest among the groups gnomAD compares: Non-Finnish European, 0.023%; no homozygotes.

Submission:

PreventionGenetics, part of Exact Sciences
Classification: Likely benign for PLXNA4-related condition. Last evaluated: 2021-05-19. Review status: no assertion criteria provided. Collection method: clinical testing. Allele origin: germline.
Comment: This variant is classified as likely benign based on ACMG/AMP sequence variant interpretation guidelines (Richards et al. 2015 PMID: 25741868, with internal and published modifications).

NM_020911.2(PLXNA4):c.3294G>T (p.Ala1098=)

Gene: PLXNA4 (plexin A4; minus strand). Cytogenetic location: 7q32.3.
Variant type: single nucleotide variant.
Coding change: c.3294G>T on transcript NM_020911.2 (MANE Select); coding-DNA position 3294, G replaced by T.
Protein change: p.Ala1098=; no amino-acid change (alanine 1098 retained).
Molecular consequence: synonymous variant.
Genome position (GRCh38, 1-based): chr7:132,181,579, C>A on the plus strand (G>T on the coding strand, the complement: PLXNA4 is on the minus strand). VCF-style: chr7-132181579-C-A. GRCh37 (hg19) VCF-style: chr7-131866338-C-A.
Other names: c.3294G>T, p.Ala1098= (NM_001393897.1).
Identifiers: ClinVar variation 3052050 (VCV003052050.2), dbSNP rs201843424, ClinGen allele CA4489527.
Genomic context (GRCh38, chr7:132,181,579, plus strand): 5'-AAACTCCTCGGGCCTCTCGGTCAGGTCTGACTGGTGGTCAGGACCCAGAGCGAGGGCGGG[C>A]GCCTGACAGGTCATCTCAGTAGCGTTCAGAACCTCACAGATCTGTGGGAGGAGCCACAGA-3'
Protein context (NP_065962.1, residues 1088-1108): VLNATEMTCQ[Ala1098=]PALALGPDHQ